The following is an entry in ClinVar:

ClinVar aggregate classification (germline): Uncertain significance (1 of 4 stars; one submission).

gnomAD v4.1: 1 of 1,597,758 alleles (0.000063%); highest among the groups gnomAD compares: Non-Finnish European, 0.000085%; no homozygotes.

Submission:

Ambry Genetics
Classification: Uncertain significance. Last evaluated: 2021-07-25. Review status: criteria provided, single submitter. Criteria: Ambry Variant Classification Scheme 2023. Collection method: clinical testing. Allele origin: germline.
Comment: The p.L272M variant (also known as c.814T>A), located in coding exon 10 of the PRKDC gene, results from a T to A substitution at nucleotide position 814. The leucine at codon 272 is replaced by methionine, an amino acid with highly similar properties. This amino acid position is conserved. In addition, this alteration is predicted to be tolerated by in silico analysis. Since supporting evidence is limited at this time, the clinical significance of this alteration remains unclear.

NM_006904.7(PRKDC):c.814T>A (p.Leu272Met)

Gene: PRKDC (protein kinase, DNA-activated, catalytic subunit; minus strand). Cytogenetic location: 8q11.21.
Variant type: single nucleotide variant.
Coding change: c.814T>A on transcript NM_006904.7 (MANE Select); coding-DNA position 814, T replaced by A.
Protein change: p.Leu272Met; replaces leucine 272 with methionine.
Molecular consequence: missense variant.
Genome position (GRCh38, 1-based): chr8:47,943,361, A>T on the plus strand (T>A on the coding strand, the complement: PRKDC is on the minus strand). VCF-style: chr8-47943361-A-T. GRCh37 (hg19) VCF-style: chr8-48855921-A-T.
Other names: c.814T>A, p.Leu272Met (NM_001081640.2); short protein forms L272M.
Identifiers: ClinVar variation 1762191 (VCV001762191.2), dbSNP rs1228945961, ClinGen allele CA371136314.